The following is an entry in ClinVar:

ClinVar aggregate classification (germline): Pathogenic (1 of 4 stars; one submission).

Conditions:
Ataxia-telangiectasia syndrome (AT). Also called: LOUIS-BAR SYNDROME; AT, COMPLEMENTATION GROUP C; ATAXIA-TELANGIECTASIA, COMPLEMENTATION GROUP A; ATAXIA-TELANGIECTASIA, FRESNO VARIANT; Ataxia-telangiectasia; Cerebello-oculocutaneous telangiectasia. Identifiers: Orphanet 100, MedGen C0004135, MONDO:0008840, OMIM 208900.

Submission:

Labcorp Genetics (formerly Invitae), Labcorp
Classification: Pathogenic for Ataxia-telangiectasia syndrome. Last evaluated: 2023-09-01. Review status: criteria provided, single submitter. Criteria: Invitae Variant Classification Sherloc (09022015). Collection method: clinical testing. Allele origin: germline.
Comment: For these reasons, this variant has been classified as Pathogenic. This variant has not been reported in the literature in individuals affected with ATM-related conditions. This variant is not present in population databases (gnomAD no frequency). This sequence change creates a premature translational stop signal (p.Tyr1753Ilefs*3) in the ATM gene. It is expected to result in an absent or disrupted protein product. Loss-of-function variants in ATM are known to be pathogenic (PMID: 23807571, 25614872).

Literature cited by the submitters: PubMed 23807571; PubMed 25614872.

NM_000051.4(ATM):c.5257del (p.Tyr1753fs)

Gene: ATM (ATM serine/threonine kinase; plus strand). Cytogenetic location: 11q22.3.
Variant type: Deletion.
Coding change: c.5257del on transcript NM_000051.4 (MANE Select); coding-DNA position 5257, one base deleted (T; older notation c.5257delT).
Protein change: p.Tyr1753fs; shifts the reading frame from tyrosine 1753.
Molecular consequence: frameshift variant.
Genome position (GRCh38, 1-based): chr11:108,301,727, T deleted; the last of 3 consecutive T bases (chr11:108,301,725-108,301,727); deleting any one gives the same sequence. VCF-style (leftmost placement, unchanged base first): chr11-108301724-AT-A. GRCh37 (hg19) VCF-style: chr11-108172451-AT-A.
Other names: c.5257del, p.Tyr1753fs (NM_001351834.2); short protein forms Y1753fs.
Identifiers: ClinVar variation 2757211 (VCV002757211.3), dbSNP rs2546973486, ClinGen allele CA2697558834.